The following is an entry in ClinVar:

NM_001127222.2(CACNA1A):c.3266G>T (p.Gly1089Val)

Gene: CACNA1A (calcium voltage-gated channel subunit alpha1 A; minus strand). Cytogenetic location: 19p13.13.
Variant type: single nucleotide variant.
Coding change: c.3266G>T on transcript NM_001127222.2 (MANE Select); coding-DNA position 3266, G replaced by T.
Protein change: p.Gly1089Val; replaces glycine 1089 with valine.
Molecular consequence: missense variant.
Genome position (GRCh38, 1-based): chr19:13,286,790, C>A on the plus strand (G>T on the coding strand, the complement: CACNA1A is on the minus strand). VCF-style: chr19-13286790-C-A. GRCh37 (hg19) VCF-style: chr19-13397604-C-A.
Other names: c.3278G>T, p.Gly1093Val (NM_000068.4, NM_023035.3); c.3269G>T, p.Gly1090Val (NM_001127221.2, NM_001174080.2); short protein forms G1089V, G1093V, G1090V.
Identifiers: ClinVar variation 1999248 (VCV001999248.4), dbSNP rs2512857490, ClinGen allele CA404341719.

ClinVar aggregate classification (germline): Uncertain significance (1 of 4 stars; one submission).

Conditions:
Episodic ataxia type 2 (EA2). Also called: ATAXIA, EPISODIC, WITH NYSTAGMUS; ATAXIA, FAMILIAL PAROXYSMAL; CEREBELLAR ATAXIA, PAROXYSMAL, ACETAZOLAMIDE-RESPONSIVE; CEREBELLOPATHY, HEREDITARY PAROXYSMAL; ACETAZOLAMIDE-RESPONSIVE HEREDITARY PAROXYSMAL CEREBELLAR ATAXIA; EPISODIC ATAXIA, NYSTAGMUS-ASSOCIATED. Identifiers: Orphanet 97, MedGen C1720416, MONDO:0007163, OMIM 108500.
Developmental and epileptic encephalopathy, 42 (DEE42A). Also called: EPILEPTIC ENCEPHALOPATHY, EARLY INFANTILE, 42A; Epileptic encephalopathy, early infantile, 42; DEVELOPMENTAL AND EPILEPTIC ENCEPHALOPATHY 42A. Identifiers: MedGen C4310716, MONDO:0014917, OMIM 617106.

Submission:

Labcorp Genetics (formerly Invitae), Labcorp
Classification: Uncertain significance for Developmental and epileptic encephalopathy, 42; Episodic ataxia type 2. Last evaluated: 2024-09-23. Review status: criteria provided, single submitter. Criteria: Invitae Variant Classification Sherloc (09022015). Collection method: clinical testing. Allele origin: germline.
Comment: This sequence change replaces glycine, which is neutral and non-polar, with valine, which is neutral and non-polar, at codon 1090 of the CACNA1A protein (p.Gly1090Val). This variant is not present in population databases (gnomAD no frequency). This variant has not been reported in the literature in individuals affected with CACNA1A-related conditions. ClinVar contains an entry for this variant (Variation ID: 1999248). Invitae Evidence Modeling of protein sequence and biophysical properties (such as structural, functional, and spatial information, amino acid conservation, physicochemical variation, residue mobility, and thermodynamic stability) indicates that this missense variant is not expected to disrupt CACNA1A protein function with a negative predictive value of 95%. In summary, the available evidence is currently insufficient to determine the role of this variant in disease. Therefore, it has been classified as a Variant of Uncertain Significance.